The following is an entry in ClinVar:

ClinVar aggregate classification (germline): Benign/Likely benign. Review status: criteria provided, multiple submitters, no conflicts (2 of 4 stars). 9 submissions from 9 submitters: Benign (8); Likely benign (1). Last evaluated 2026-02-03.

Conditions:
Noonan syndrome and Noonan-related syndrome. Identifiers: Orphanet 98733, MedGen C5681679, MONDO:0020297.
Hereditary cancer-predisposing syndrome. Also called: Tumor predisposition; Hereditary neoplastic syndrome; Neoplastic Syndromes, Hereditary; Hereditary Cancer Syndrome. Identifiers: Orphanet 140162, MedGen C0027672, MeSH D009386, MONDO:0015356.
Cardiovascular phenotype. Identifiers: MedGen CN230736.

Submissions (10):

Labcorp Genetics (formerly Invitae), Labcorp
Classification: Benign. Last evaluated: 2026-02-03. Review status: criteria provided, single submitter. Criteria: Invitae Variant Classification Sherloc (09022015). Collection method: clinical testing. Allele origin: germline.

Dasa
Classification: Benign. Last evaluated: 2025-12-08. Review status: criteria provided, single submitter. Criteria: DASA Assertion Criteria. Collection method: clinical testing. Allele origin: germline.
Comment: NM_006767.4(LZTR1):c.321-14_321-3del is an intronic variant. Population frequency is inconsistent with a disease-causing role for this variant, and observations in unaffected individuals support a benign interpretation. Therefore, based on the currently available evidence, this variant is classified as benign.

Blueprint Genetics
Classification: Likely benign. Last evaluated: 2024-11-28. Review status: criteria provided, single submitter. Criteria: ACMG Guidelines, 2015. Collection method: clinical testing. Allele origin: germline.

ARUP Laboratories, Molecular Genetics and Genomics, ARUP Laboratories
Classification: Benign. Last evaluated: 2023-09-29. Review status: criteria provided, single submitter. Criteria: ARUP Molecular Germline Variant Investigation Process 2024. Collection method: clinical testing. Allele origin: germline.

Mayo Clinic Laboratories, Mayo Clinic
Classification: Benign. Last evaluated: 2023-04-09. Review status: criteria provided, single submitter. Criteria: ACMG Guidelines, 2015. Collection method: clinical testing. Allele origin: germline. Observed: 32 variant alleles.

Genome Diagnostics Laboratory, The Hospital for Sick Children
Classification: Benign for Noonan syndrome and Noonan-related syndrome. Last evaluated: 2021-06-21. Review status: criteria provided, single submitter. Criteria: ACMG Guidelines, 2015. Collection method: clinical testing. Allele origin: germline.

Women's Health and Genetics/Laboratory Corporation of America, LabCorp
Classification: Benign. Last evaluated: 2019-12-16. Review status: criteria provided, single submitter. Criteria: LabCorp Variant Classification Summary - May 2015. Collection method: clinical testing. Allele origin: germline.
Comment: Variant summary: LZTR1 c.321-14_321-3del12 alters a nucleotide located close to a canonical splice site and therefore could affect mRNA splicing, leading to a significantly altered protein sequence. 4/4 computational tools predict no significant impact on normal splicing. However, these predictions have yet to be confirmed by functional studies. The variant allele was found at a frequency of 0.0045 in 248414 control chromosomes in the gnomAD database, including 23 homozygotes. The observed variant frequency is approximately 902 fold of the estimated maximal expected allele frequency for a pathogenic variant in LZTR1 causing Noonan Syndrome and Related Conditions phenotype (5e-06), strongly suggesting that the variant is benign. To our knowledge, no occurrence of c.321-14_321-3del12 in individuals affected with Noonan Syndrome and Related Conditions and no experimental evidence demonstrating its impact on protein function have been reported. No clinical diagnostic laboratories have submitted clinical-significance assessments for this variant to ClinVar after 2014. Based on the evidence outlined above, the variant was classified as benign.

GeneDx
Classification: Benign. Last evaluated: 2019-08-19. Review status: criteria provided, single submitter. Criteria: GeneDx Variant Classification Process June 2021. Collection method: clinical testing. Allele origin: germline. Affected: yes.

Ambry Genetics
Classification: Benign for Cardiovascular phenotype; Hereditary cancer-predisposing syndrome. Last evaluated: 2019-06-06. Review status: criteria provided, single submitter. Criteria: Ambry Variant Classification Scheme 2023. Collection method: clinical testing. Allele origin: germline.

Dr. Peter K. Rogan Lab, Western University
No classification provided (evidence only). Condition: Familial cancer of breast. Review status: no classification provided. Collection method: in vitro. Allele origin: not applicable. Functional consequence: retained intron. Not counted in ClinVar's aggregate classification.

NM_006767.4(LZTR1):c.321-14_321-3del

Gene: LZTR1 (leucine zipper like post translational regulator 1; plus strand). Cytogenetic location: 22q11.21.
Variant type: Deletion.
Coding change: c.321-14_321-3del on transcript NM_006767.4 (MANE Select); 14 bases into the intron before coding-DNA position 321 through 3 bases into the intron before coding-DNA position 321, 12 bases deleted (TGTGCCCACCCC).
Molecular consequence: intron variant.
Genome position (GRCh38, 1-based): chr22:20,987,490-20,987,501, TGTGCCCACCCC deleted; deleting any 12 consecutive bases within chr22:20,987,483-20,987,501 gives the same sequence; the c. name uses the placement nearest the transcript's 3' end. VCF-style (leftmost placement, unchanged base first): chr22-20987482-ACCACCCCTGTGC-A. GRCh37 (hg19) VCF-style: chr22-21341771-ACCACCCCTGTGC-A.
Other names: p.?; c.321-14_321-3delTGTGCCCACCCC (NM_006767.3).
Identifiers: ClinVar variation 703848 (VCV000703848.64), dbSNP rs137977968, ClinGen allele CA10118372.